The following is an entry in ClinVar:

ClinVar aggregate classification (germline): Uncertain significance (1 of 4 stars; one submission).

Allele frequency attached by ClinVar (database versions not stated): gnomAD 0.00001.
gnomAD v4.1: 1 of 1,614,074 alleles (0.000062%); highest among the groups gnomAD compares: African/African-American, 0.0013%; no homozygotes.

Submission:

Labcorp Genetics (formerly Invitae), Labcorp
Classification: Uncertain significance. Last evaluated: 2020-12-17. Review status: criteria provided, single submitter. Criteria: Invitae Variant Classification Sherloc (09022015). Collection method: clinical testing. Allele origin: germline.
Comment: This sequence change replaces valine with alanine at codon 167 of the SLC19A2 protein (p.Val167Ala). The valine residue is highly conserved and there is a small physicochemical difference between valine and alanine. This variant is not present in population databases (ExAC no frequency). This variant has not been reported in the literature in individuals with SLC19A2-related conditions. Advanced modeling of protein sequence and biophysical properties (such as structural, functional, and spatial information, amino acid conservation, physicochemical variation, residue mobility, and thermodynamic stability) performed at Invitae indicates that this missense variant is not expected to disrupt SLC19A2 protein function. In summary, the available evidence is currently insufficient to determine the role of this variant in disease. Therefore, it has been classified as a Variant of Uncertain Significance.

NM_006996.3(SLC19A2):c.500T>C (p.Val167Ala)

Gene: SLC19A2 (solute carrier family 19 member 2; minus strand). Cytogenetic location: 1q24.2.
Variant type: single nucleotide variant.
Coding change: c.500T>C on transcript NM_006996.3 (MANE Select); coding-DNA position 500, T replaced by C.
Protein change: p.Val167Ala; replaces valine 167 with alanine.
Molecular consequence: missense variant. On other transcripts: intron variant (1).
Genome position (GRCh38, 1-based): chr1:169,477,462, A>G on the plus strand (T>C on the coding strand, the complement: SLC19A2 is on the minus strand). VCF-style: chr1-169477462-A-G. GRCh37 (hg19) VCF-style: chr1-169446700-A-G.
Other names: c.205-7276T>C (NM_001319667.1); short protein forms V167A.
Identifiers: ClinVar variation 1429986 (VCV001429986.8), dbSNP rs1242339764, ClinGen allele CA343110351.